The following is an entry in ClinVar:

NM_000465.4(BARD1):c.1098_1099delinsAC (p.Ser367Pro)

Gene: BARD1 (BRCA1 associated RING domain 1; minus strand). Cytogenetic location: 2q35.
Variant type: Indel.
Coding change: c.1098_1099delinsAC on transcript NM_000465.4 (MANE Select); coding-DNA positions 1098 to 1099, TT replaced by AC.
Protein change: p.Ser367Pro; replaces serine 367 with proline.
Molecular consequence: missense variant. On other transcripts: non-coding transcript variant (2), intron variant (3).
Genome position (GRCh38, 1-based): chr2:214,780,775-214,780,776, AA replaced by GT on the plus strand (TT replaced by AC on the coding strand, the reverse complement: BARD1 is on the minus strand). VCF-style: chr2-214780775-AA-GT. GRCh37 (hg19) VCF-style: chr2-215645499-AA-GT.
Other names: c.1041_1042delinsAC, p.Ser348Pro (NM_001282543.2); c.159-28221_159-28220delinsAC (NM_001282548.2); c.215+16285_215+16286delinsAC (NM_001282545.2); c.364+11521_364+11522delinsAC (NM_001282549.2); short protein forms S348P, S367P.
Identifiers: ClinVar variation 419699 (VCV000419699.12), dbSNP rs1064794052, ClinGen allele CA16617445.

ClinVar aggregate classification (germline): Uncertain significance. Review status: criteria provided, multiple submitters, no conflicts (2 of 4 stars). 4 submissions from 4 submitters: Uncertain significance (3). 1 of the submissions does not count toward it. Last evaluated 2025-01-27.

Conditions:
Hereditary cancer-predisposing syndrome. Also called: Hereditary neoplastic syndrome; Tumor predisposition; Neoplastic Syndromes, Hereditary; Hereditary Cancer Syndrome. Identifiers: Orphanet 140162, MedGen C0027672, MeSH D009386, MONDO:0015356.
Familial cancer of breast. Also called: Hereditary breast cancer; BREAST CANCER, FAMILIAL; hereditary breast carcinoma. Identifiers: Orphanet 227535, MedGen C0346153, MONDO:0016419, OMIM 114480. Disease mechanism: loss of function.
Malignant tumor of breast. Also called: Cancer breast; Malignant breast neoplasm. Identifiers: MedGen C0006142, MONDO:0007254. Disease mechanism: loss of function.

Submissions (4):

Color Diagnostics, LLC DBA Color Health
Classification: Uncertain significance for Hereditary cancer-predisposing syndrome. Last evaluated: 2025-01-27. Review status: criteria provided, single submitter. Criteria: ACMG Guidelines, 2015. Collection method: clinical testing. Allele origin: germline.
Comment: This missense variant replaces serine with proline at codon 367 of the BARD1 protein. To our knowledge, functional studies have not been reported for this variant. This variant has not been reported in individuals affected with BARD1-related disorders in the literature. This variant has not been identified in the general population by the Genome Aggregation Database (gnomAD). The available evidence is insufficient to determine the role of this variant in disease conclusively. Therefore, this variant is classified as a Variant of Uncertain Significance.

Labcorp Genetics (formerly Invitae), Labcorp
Classification: Uncertain significance for Familial cancer of breast. Last evaluated: 2023-07-11. Review status: criteria provided, single submitter. Criteria: Invitae Variant Classification Sherloc (09022015). Collection method: clinical testing. Allele origin: germline.
Comment: In summary, the available evidence is currently insufficient to determine the role of this variant in disease. Therefore, it has been classified as a Variant of Uncertain Significance. Experimental studies and prediction algorithms are not available or were not evaluated, and the functional significance of this variant is currently unknown. ClinVar contains an entry for this variant (Variation ID: 419699). This variant has not been reported in the literature in individuals affected with BARD1-related conditions. Information on the frequency of this variant in the gnomAD database is not available, as this variant may be reported differently in the database. This sequence change replaces serine, which is neutral and polar, with proline, which is neutral and non-polar, at codon 367 of the BARD1 protein (p.Ser367Pro).

GeneDx
Classification: Uncertain significance. Last evaluated: 2015-08-19. Review status: criteria provided, single submitter. Criteria: GeneDx Variant Classification (06012015). Collection method: clinical testing. Allele origin: germline. Affected: yes.
Comment: This variant is denoted BARD1 c.1098_1099delTTinsAC at the cDNA level, p.Ser367Pro (S367P) at the protein level, and results in the change of a Serine to a Proline (TCA>CCA). This variant has not, to our knowledge, been published in the literature as pathogenic or benign. BARD1 Ser367Pro was not observed in approximately 6,500 individuals of European and African American ancestry in the NHLBI Exome Sequencing Project, indicating it is not a common benign variant in these populations. Since Serine and Proline differ in polarity, charge, size or other properties, this is considered a non-conservative amino acid substitution. BARD1 Ser367Pro occurs at a position that is not conserved and is not located in a known functional domain (UniProt). In silico analyses are inconsistent regarding the effect this variant may have on protein structure and function. Based on currently available information, it is unclear whether BARD1 Ser367Pro is pathogenic or benign. We consider it to be a variant of uncertain significance.

Department of Pathology and Laboratory Medicine, Sinai Health System
Classification: Uncertain significance for Malignant tumor of breast. Review status: no assertion criteria provided. Collection method: clinical testing. Allele origin: unknown. Affected: yes. Study: The Canadian Open Genetics Repository (COGR). Not counted in ClinVar's aggregate classification.
Comment: The BARD1 p.Ser367Pro variant was not identified in the literature nor was it identified in the dbSNP, Cosmic, MutDB, or Zhejiang Colon Cancer Databases. The variant was identified in ClinVar (1x, as uncertain significance by GeneDx), Clinvitae (1x, as uncertain significance, by ClinVar). The variant was not identified in the 1000 Genomes Project, the NHLBI GO Exome Sequencing Project or the Exome Aggregation Consortium (August 8th 2016) control databases. This variant is an in-frame deletion insertion resulting in the removal of a serine (ser) residue at codon 367; the impact of this alteration on BARD1 protein function is not known. The p.Ser367 residue is conserved in mammals and computational analyses (PolyPhen-2, SIFT, AlignGVGD, BLOSUM, MutationTaster) provide inconsistent predictions regarding the impact to the protein; this information is not very predictive of pathogenicity. The variant occurs outside of the splicing consensus sequence and in silico or computational prediction software programs (SpliceSiteFinder, MaxEntScan, NNSPLICE, GeneSplicer, HumanSpliceFinder) do not predict a difference in splicing. In summary, based on the above information the clinical significance of this variant cannot be determined with certainty at this time. This variant is classified as a variant of uncertain significance.